The following is an entry in ClinVar:

NM_000448.3(RAG1):c.746A>G (p.His249Arg)

Gene: RAG1 (recombination activating 1; plus strand). Cytogenetic location: 11p12.
Variant type: single nucleotide variant.
Coding change: c.746A>G on transcript NM_000448.3 (MANE Select); coding-DNA position 746, A replaced by G.
Protein change: p.His249Arg; replaces histidine 249 with arginine.
Molecular consequence: missense variant. On other transcripts: no sequence alteration (1).
Genome position (GRCh38, 1-based): chr11:36,574,050, A>G. VCF-style: chr11-36574050-A-G. GRCh37 (hg19) VCF-style: chr11-36595600-A-G.
Other names: NM_000448.3(RAG1):c.746A>G; p.His249Arg; c.746A>G (NM_000448.2); c.746A>G, p.His249Arg (NM_001377277.1, NM_001377278.1, NM_001377279.1 and 1 more transcripts); short protein forms H249R.
Identifiers: ClinVar variation 403361 (VCV000403361.25), dbSNP rs3740955, ClinGen allele CA5950043.

ClinVar aggregate classification (germline): Benign. Review status: reviewed by expert panel (3 of 4 stars). 13 submissions from 11 submitters: Benign (1). 12 of the submissions do not count toward it. Last evaluated 2024-01-23.

Conditions:
Recombinase activating gene 1 deficiency. Identifiers: MedGen CN375631, MONDO:0000572.
Severe combined immunodeficiency, autosomal recessive, T cell-negative, B cell-negative, NK cell-positive. Also called: SCID, T CELL-NEGATIVE, B CELL-NEGATIVE, NK CELL-POSITIVE; Severe combined immunodeficiency due to complete RAG1/2 deficiency; SCID, AR, T-cell negative, B-cell negative, NK cell-positive. Identifiers: Orphanet 331206, MedGen C1832322, MONDO:0011086, OMIM 601457.
Combined immunodeficiency with skin granulomas. Identifiers: Orphanet 157949, MedGen C2673536, MONDO:0009306, OMIM 233650.
Immunodeficiency 104. Also called: SCID, AUTOSOMAL RECESSIVE, T CELL-NEGATIVE, B CELL-POSITIVE, NK CELL-POSITIVE; Severe combined immunodeficiency, autosomal recessive, T cell-negative, B cell-positive, NK cell-positive; Severe Combined Immune Deficiency, Autosomal Recessive, TCell -Negative, B Cell-Positive, NK Cell-Positive, IL7R-Related; IMMUNODEFICIENCY 104, SEVERE COMBINED. Identifiers: MedGen C5676890, MONDO:0012163, OMIM 608971.
Histiocytic medullary reticulosis. Also called: SEVERE COMBINED IMMUNODEFICIENCY WITH HYPEREOSINOPHILIA; Omenn syndrome. Identifiers: Orphanet 39041, MedGen C2700553, MONDO:0011338, OMIM 603554.

Allele frequency attached by ClinVar (database versions not stated): gnomAD exomes 0.36276 and 0.45058; ExAC 0.44702; ESP Exome Variant Server 0.46831; gnomAD 0.48211 and 0.48330; TOPMed 0.51749; 1000 Genomes Project 30x 0.61243; 1000 Genomes Project 0.61342.
gnomAD v4.1: 605,943 of 1,613,910 alleles (38%); highest among the groups gnomAD compares: East Asian, 77%; 127,763 homozygotes.

Submissions (13):

ClinGen Severe Combined Immunodeficiency Variant Curation Expert Panel, ClinGen
Classification: Benign for Recombinase activating gene 1 deficiency. Last evaluated: 2024-01-23. Review status: reviewed by expert panel. Criteria: ClinGen SCID ACMG Specifications RAG1 V1.0.0. Collection method: curation. Allele origin: germline. Inheritance: Autosomal recessive inheritance.
Comment: The NM_000448.3:c.746A>G variant in RAG1 is a missense variant predicted to cause the substitution of Histidine by Arginine at amino acid 249 (p.His249Arg). The filtering allele frequency (the lower threshold of the 95% CI of 34582/44854) of the c.746A>G variant in RAG1 is 0.7646 for East Asian chromosomes by gnomAD v.4, which is higher than the ClinGen SCID VCEP threshold (>0.00872) for BA1, and therefore meets this criterion (BA1). Additionally, 127763 homozygous adults are reported in gnomAD v.4. BS2_Supporting is Met. In summary, this variant meets the criteria to be classified as Benign for Autosomal Recessive SCID. ACMG/AMP criteria applied, as specified by the ClinGen SCID-VCEP: BA1 and BS2_Supporting. (VCEP specifications version 1).

Labcorp Genetics (formerly Invitae), Labcorp
Classification: Benign for Combined immunodeficiency with skin granulomas; Severe combined immunodeficiency, autosomal recessive, T cell-negative, B cell-negative, NK cell-positive. Last evaluated: 2026-02-04. Review status: criteria provided, single submitter. Criteria: Invitae Variant Classification Sherloc (09022015). Collection method: clinical testing. Allele origin: germline. Not counted in ClinVar's aggregate classification.

Genomic Medicine Center of Excellence, King Faisal Specialist Hospital and Research Centre
Classification: Benign for Severe combined immunodeficiency, autosomal recessive, T cell-negative, B cell-negative, NK cell-positive. Last evaluated: 2025-09-10. Review status: criteria provided, single submitter. Criteria: ACMG Guidelines, 2015. Collection method: clinical testing. Allele origin: germline. Not counted in ClinVar's aggregate classification.

Blueprint Genetics
Classification: Likely benign. Last evaluated: 2024-11-27. Review status: criteria provided, single submitter. Criteria: ACMG Guidelines, 2015. Collection method: clinical testing. Allele origin: germline. Not counted in ClinVar's aggregate classification.

Unidad de Genómica Garrahan, Hospital de Pediatría Garrahan
Classification: Benign. Last evaluated: 2024-01-24. Review status: criteria provided, single submitter. Criteria: ACMG Guidelines, 2015. Collection method: clinical testing. Allele origin: germline. Affected: no. Observed: 76 variant alleles. Not counted in ClinVar's aggregate classification.
Comment: This variant is classified as Benign based on local population frequency. This variant was detected in 86% of patients studied by a panel of primary immunodeficiencies. Number of patients: 76. Only high quality variants are reported.

Genome-Nilou Lab
Classification: Benign for Combined immunodeficiency with skin granulomas. Last evaluated: 2021-11-07. Review status: criteria provided, single submitter. Criteria: ACMG Guidelines, 2015. Collection method: clinical testing. Allele origin: germline. Affected: no. Not counted in ClinVar's aggregate classification.

Genome-Nilou Lab
Classification: Benign for Histiocytic medullary reticulosis. Last evaluated: 2021-11-07. Review status: criteria provided, single submitter. Criteria: ACMG Guidelines, 2015. Collection method: clinical testing. Allele origin: germline. Affected: no. Not counted in ClinVar's aggregate classification.

Genome-Nilou Lab
Classification: Benign for Severe combined immunodeficiency, autosomal recessive, T cell-negative, B cell-negative, NK cell-positive. Last evaluated: 2021-11-07. Review status: criteria provided, single submitter. Criteria: ACMG Guidelines, 2015. Collection method: clinical testing. Allele origin: germline. Affected: no. Not counted in ClinVar's aggregate classification.

Laboratory for Molecular Medicine, Mass General Brigham Personalized Medicine
Classification: Benign. Last evaluated: 2016-03-28. Review status: criteria provided, single submitter. Criteria: LMM Criteria. Collection method: clinical testing. Allele origin: germline. Not counted in ClinVar's aggregate classification.
Comment: Variant identified in a genome or exome case(s) and assessed due to predicted null impact of the variant or pathogenic assertions in the literature or databases. Disclaimer: This variant has not undergone full assessment. The following are preliminary notes: Frequency - papers in HGMD do not provide evidence of disease association

Breakthrough Genomics
Classification: Benign. Review status: criteria provided, single submitter. Criteria: ACMG Guidelines, 2015. Collection method: not provided. Allele origin: germline. Inheritance: Autosomal recessive inheritance. Affected: yes. Not counted in ClinVar's aggregate classification.

GreenArray Genomic Research & Solutions of Accurate Diagnostic Private Limited
Classification: Benign for Immunodeficiency 104. Review status: criteria provided, single submitter. Criteria: ACMG Guidelines, 2015. Collection method: clinical testing. Allele origin: germline. Affected: no. Not counted in ClinVar's aggregate classification.
Comment: The variant is predicted to be benign by PolyPhen2. The amino acid change p.His249Arg in RAG1

Diagnostic Laboratory, Department of Genetics, University Medical Center Groningen
Classification: Benign. Review status: no assertion criteria provided. Collection method: clinical testing. Allele origin: germline. Affected: yes. Study: VKGL Data-share Consensus. Not counted in ClinVar's aggregate classification.

Genome Diagnostics Laboratory, University Medical Center Utrecht
Classification: Likely benign. Review status: no assertion criteria provided. Collection method: clinical testing. Allele origin: germline. Affected: yes. Study: VKGL Data-share Consensus. Not counted in ClinVar's aggregate classification.